The following is an entry in ClinVar:

ClinVar aggregate classification (germline): Benign. Review status: criteria provided, multiple submitters, no conflicts (2 of 4 stars). 7 submissions from 6 submitters: Benign (6). 1 of the submissions does not count toward it. Last evaluated 2026-02-04.

Conditions:
Achromatopsia 3 (ACHM3). Also called: PINGELAPESE BLINDNESS; TOTAL COLORBLINDNESS WITH MYOPIA; ROD MONOCHROMACY 1; ROD MONOCHROMATISM 1; ACHROMATOPSIA WITH MYOPIA. Identifiers: Orphanet 49382, MedGen C1849792, MONDO:0009875, OMIM 262300.
Achromatopsia. Also called: Rod monochromatism. Identifiers: Orphanet 49382, MedGen C0152200, MONDO:0018852, HP:0011516.
Severe early-childhood-onset retinal dystrophy (STGD1). Also called: Stargardt macular dystrophy; Juvenile onset macular degeneration; Stargardt disease 1; MACULAR DYSTROPHY WITH FLECKS, TYPE 1; STGD. Identifiers: Orphanet 364055, Orphanet 827, MedGen C1855465, MeSH D000080362, MONDO:0009549, OMIM 248200.

Allele frequency attached by ClinVar (database versions not stated): gnomAD 0.05057 and 0.04739; ESP Exome Variant Server 0.05236; TOPMed 0.05434; ExAC 0.01741; 1000 Genomes Project 0.05551; gnomAD exomes 0.01470; 1000 Genomes Project 30x 0.05934.
gnomAD v4.1: 15,296 of 1,613,782 alleles (0.95%); highest among the groups gnomAD compares: African/African-American, 16%; 1,054 homozygotes.

Submissions (7):

Labcorp Genetics (formerly Invitae), Labcorp
Classification: Benign. Last evaluated: 2026-02-04. Review status: criteria provided, single submitter. Criteria: Invitae Variant Classification Sherloc (09022015). Collection method: clinical testing. Allele origin: germline.

GeneDx
Classification: Benign. Last evaluated: 2018-07-05. Review status: criteria provided, single submitter. Criteria: GeneDx Variant Classification Process June 2021. Collection method: clinical testing. Allele origin: germline. Affected: yes.

Illumina Laboratory Services, Illumina
Classification: Benign for Severe early-childhood-onset retinal dystrophy. Last evaluated: 2018-01-12. Review status: criteria provided, single submitter. Criteria: ICSL Variant Classification Criteria 13 December 2019. Collection method: clinical testing. Allele origin: germline.
Comment: This variant was observed in the ICSL laboratory as part of a predisposition screen in an ostensibly healthy population. It had not been previously curated by ICSL or reported in the Human Gene Mutation Database (HGMD: prior to June 1st, 2018), and was therefore a candidate for classification through an automated scoring system. Utilizing variant allele frequency, disease prevalence and penetrance estimates, and inheritance mode, an automated score was calculated to assess if this variant is too frequent to cause the disease. Based on the score and internal cut-off values, a variant classified as benign is not then subjected to further curation. The score for this variant resulted in a classification of benign for this disease.

Illumina Laboratory Services, Illumina
Classification: Benign for Achromatopsia 3. Last evaluated: 2018-01-12. Review status: criteria provided, single submitter. Criteria: ICSL Variant Classification Criteria 13 December 2019. Collection method: clinical testing. Allele origin: germline.
Comment: the same text as in the submission from Illumina Laboratory Services, Illumina above.

Breakthrough Genomics
Classification: Benign. Review status: criteria provided, single submitter. Criteria: ACMG Guidelines, 2015. Collection method: not provided. Allele origin: germline. Inheritance: Autosomal recessive inheritance. Affected: yes.

PreventionGenetics, part of Exact Sciences
Classification: Benign. Review status: criteria provided, single submitter. Criteria: ACMG Guidelines, 2015. Collection method: clinical testing. Allele origin: germline.

Natera, Inc.
Classification: Benign for Achromatopsia. Last evaluated: 2019-12-02. Review status: no assertion criteria provided. Collection method: clinical testing. Allele origin: germline. Not counted in ClinVar's aggregate classification.

NM_019098.5(CNGB3):c.608G>A (p.Arg203Gln)

Gene: CNGB3 (cyclic nucleotide gated channel subunit beta 3; minus strand). Cytogenetic location: 8q21.3.
Variant type: single nucleotide variant.
Coding change: c.608G>A on transcript NM_019098.5 (MANE Select); coding-DNA position 608, G replaced by A.
Protein change: p.Arg203Gln; replaces arginine 203 with glutamine.
Molecular consequence: missense variant.
Genome position (GRCh38, 1-based): chr8:86,668,054, C>T on the plus strand (G>A on the coding strand, the complement: CNGB3 is on the minus strand). VCF-style: chr8-86668054-C-T. GRCh37 (hg19) VCF-style: chr8-87680282-C-T.
Other names: short protein forms R203Q.
Identifiers: ClinVar variation 261089 (VCV000261089.19), dbSNP rs16916632, ClinGen allele CA4800340.
Genomic context (GRCh38, chr8:86,668,054, plus strand): 5'-ATGATAATTCACCCTTTGATAATACCTGTGTATGAATCTATGCTGTTTGGAAGTTTAATT[C>T]GCTTTAAGTACTCTGTTAAAGGCATCTTTTTGACTTTGAACCACAACAGCCTGTAGTAAT-3'
Protein context (NP_061971.3, residues 193-213): KKMPLTEYLK[Arg203Gln]IKLPNSIDSY